The following is an entry in ClinVar:

ClinVar aggregate classification (germline): Uncertain significance. Review status: criteria provided, multiple submitters, no conflicts (2 of 4 stars). 2 submissions from 2 submitters: Uncertain significance (2). Last evaluated 2025-09-01.

Conditions:
Inborn genetic diseases. Identifiers: MedGen C0950123, MeSH D030342.

Allele frequency attached by ClinVar (database versions not stated): gnomAD exomes 0.00001; ExAC 0.00002; TOPMed 0.00003.
gnomAD v4.1: 4 of 1,613,632 alleles (0.00025%); highest among the groups gnomAD compares: Admixed American, 0.005%; no homozygotes.

Submissions (2):

Ambry Genetics
Classification: Uncertain significance for Inborn genetic diseases. Last evaluated: 2025-09-01. Review status: criteria provided, single submitter. Criteria: Ambry Variant Classification Scheme 2023. Collection method: clinical testing. Allele origin: germline.

Labcorp Genetics (formerly Invitae), Labcorp
Classification: Uncertain significance. Last evaluated: 2023-12-11. Review status: criteria provided, single submitter. Criteria: Invitae Variant Classification Sherloc (09022015). Collection method: clinical testing. Allele origin: germline.
Comment: This sequence change replaces lysine, which is basic and polar, with glutamine, which is neutral and polar, at codon 1442 of the CDH23 protein (p.Lys1442Gln). This variant is present in population databases (rs750660625, gnomAD 0.006%). This variant has not been reported in the literature in individuals affected with CDH23-related conditions. ClinVar contains an entry for this variant (Variation ID: 2158675). Advanced modeling of protein sequence and biophysical properties (such as structural, functional, and spatial information, amino acid conservation, physicochemical variation, residue mobility, and thermodynamic stability) performed at Invitae indicates that this missense variant is not expected to disrupt CDH23 protein function with a negative predictive value of 95%. In summary, the available evidence is currently insufficient to determine the role of this variant in disease. Therefore, it has been classified as a Variant of Uncertain Significance.

NM_022124.6(CDH23):c.4324A>C (p.Lys1442Gln)

Gene: CDH23 (cadherin related 23; plus strand). Cytogenetic location: 10q22.1.
Variant type: single nucleotide variant.
Coding change: c.4324A>C on transcript NM_022124.6 (MANE Select); coding-DNA position 4324, A replaced by C.
Protein change: p.Lys1442Gln; replaces lysine 1442 with glutamine.
Molecular consequence: missense variant.
Genome position (GRCh38, 1-based): chr10:71,738,612, A>C. VCF-style: chr10-71738612-A-C. GRCh37 (hg19) VCF-style: chr10-73498369-A-C.
Other names: c.4324A>C (NM_022124.5); short protein forms K1442Q.
Identifiers: ClinVar variation 2158675 (VCV002158675.5), dbSNP rs750660625, ClinGen allele CA5545012.